The following is an entry in ClinVar:

ClinVar aggregate classification (germline): Likely pathogenic (1 of 4 stars; one submission).

Submission:

Labcorp Genetics (formerly Invitae), Labcorp
Classification: Likely pathogenic. Last evaluated: 2024-10-16. Review status: criteria provided, single submitter. Criteria: Invitae Variant Classification Sherloc (09022015). Collection method: clinical testing. Allele origin: germline.
Comment: This sequence change replaces histidine, which is basic and polar, with glutamine, which is neutral and polar, at codon 1616 of the NSD1 protein (p.His1616Gln). This variant is not present in population databases (gnomAD no frequency). This variant has not been reported in the literature in individuals affected with NSD1-related conditions. Invitae Evidence Modeling of protein sequence and biophysical properties (such as structural, functional, and spatial information, amino acid conservation, physicochemical variation, residue mobility, and thermodynamic stability) indicates that this missense variant is expected to disrupt NSD1 protein function with a positive predictive value of 95%. This variant disrupts the p.His1616 amino acid residue in NSD1. Other variant(s) that disrupt this residue have been determined to be pathogenic (PMID: 12464997, 28475857; internal data). This suggests that this residue is clinically significant, and that variants that disrupt this residue are likely to be disease-causing. In summary, the currently available evidence indicates that the variant is pathogenic, but additional data are needed to prove that conclusively. Therefore, this variant has been classified as Likely Pathogenic.

Literature cited by the submitters: PubMed 12464997; PubMed 28475857.

NM_022455.5(NSD1):c.4848T>G (p.His1616Gln)

Gene: NSD1 (nuclear receptor binding SET domain protein 1; plus strand). Cytogenetic location: 5q35.3.
Variant type: single nucleotide variant.
Coding change: c.4848T>G on transcript NM_022455.5 (MANE Select); coding-DNA position 4848, T replaced by G.
Protein change: p.His1616Gln; replaces histidine 1616 with glutamine.
Molecular consequence: missense variant.
Genome position (GRCh38, 1-based): chr5:177,257,033, T>G. VCF-style: chr5-177257033-T-G. GRCh37 (hg19) VCF-style: chr5-176684034-T-G.
Other names: c.3975T>G, p.His1325Gln (NM_172349.5, NM_001365684.2, NM_001409308.1 and 1 more transcripts); c.4848T>G, p.His1616Gln (NM_001409301.1, NM_001409302.1, NM_001409303.1); c.4428T>G, p.His1476Gln (NM_001409304.1); c.4095T>G, p.His1365Gln (NM_001409305.1); c.4086T>G, p.His1362Gln (NM_001409306.1, NM_001409307.1); short protein forms H1476Q, H1325Q, H1362Q, H1365Q, H1616Q.
Identifiers: ClinVar variation 3719712 (VCV003719712.2).